The following is an entry in ClinVar:

ClinVar aggregate classification (germline): Uncertain significance (1 of 4 stars; one submission).

Allele frequency attached by ClinVar (database versions not stated): gnomAD exomes below 0.00001.
gnomAD v4.1: 1 of 1,206,954 alleles (0.000083%); highest among the groups gnomAD compares: Non-Finnish European, 0.00011%; no homozygotes.

Submission:

Labcorp Genetics (formerly Invitae), Labcorp
Classification: Uncertain significance. Last evaluated: 2023-07-22. Review status: criteria provided, single submitter. Criteria: Invitae Variant Classification Sherloc (09022015). Collection method: clinical testing. Allele origin: germline.
Comment: This sequence change replaces asparagine, which is neutral and polar, with serine, which is neutral and polar, at codon 555 of the DRP2 protein (p.Asn555Ser). This variant is not present in population databases (gnomAD no frequency). This variant has not been reported in the literature in individuals affected with DRP2-related conditions. Advanced modeling of protein sequence and biophysical properties (such as structural, functional, and spatial information, amino acid conservation, physicochemical variation, residue mobility, and thermodynamic stability) has been performed at Invitae for this missense variant, however the output from this modeling did not meet the statistical confidence thresholds required to predict the impact of this variant on DRP2 protein function. In summary, the available evidence is currently insufficient to determine the role of this variant in disease. Therefore, it has been classified as a Variant of Uncertain Significance.

NM_001939.3(DRP2):c.1664A>G (p.Asn555Ser)

Gene: DRP2 (dystrophin related protein 2; plus strand). Cytogenetic location: Xq22.1.
Variant type: single nucleotide variant.
Coding change: c.1664A>G on transcript NM_001939.3 (MANE Select); coding-DNA position 1664, A replaced by G.
Protein change: p.Asn555Ser; replaces asparagine 555 with serine.
Molecular consequence: missense variant.
Genome position (GRCh38, 1-based): chrX:101,250,546, A>G. VCF-style: chrX-101250546-A-G. GRCh37 (hg19) VCF-style: chrX-100505535-A-G.
Other names: c.1430A>G, p.Asn477Ser (NM_001171184.2); short protein forms N477S, N555S.
Identifiers: ClinVar variation 3006602 (VCV003006602.3), dbSNP rs2520281261, ClinGen allele CA413929007.
Genomic context (GRCh38, chrX:101,250,546, plus strand): 5'-TTCATGAGGCCATTCAGGTGCCCCGTCAGCTGGGTGAAGTGGCAGCCTTTGGGGGCAGCA[A>G]TGTGGAGCCCAGTGTCCGTAGTTGCTTCCGTTTTGTGAGTATGGAACTGGGGAGTGGGGG-3'
Protein context (NP_001930.2, residues 545-565): LGEVAAFGGS[Asn555Ser]VEPSVRSCFR